The following is an entry in ClinVar:

NM_053025.4(MYLK):c.4271T>C (p.Val1424Ala)

Gene: MYLK (myosin light chain kinase; minus strand). Cytogenetic location: 3q21.1.
Variant type: single nucleotide variant.
Coding change: c.4271T>C on transcript NM_053025.4 (MANE Select); coding-DNA position 4271, T replaced by C.
Protein change: p.Val1424Ala; replaces valine 1424 with alanine.
Molecular consequence: missense variant.
Genome position (GRCh38, 1-based): chr3:123,657,143, A>G on the plus strand (T>C on the coding strand, the complement: MYLK is on the minus strand). VCF-style: chr3-123657143-A-G. GRCh37 (hg19) VCF-style: chr3-123375990-A-G.
Other names: c.3743T>C, p.Val1248Ala (NM_001321309.2); c.4064T>C, p.Val1355Ala (NM_053026.4, NM_053028.4); c.4271T>C, p.Val1424Ala (NM_053027.4); short protein forms V1248A, V1355A, V1424A.
Identifiers: ClinVar variation 3401118 (VCV003401118.1).

ClinVar aggregate classification (germline): Uncertain significance (1 of 4 stars; one submission).

Conditions:
Familial thoracic aortic aneurysm and aortic dissection (TAAD). Also called: Thoracic aortic aneurysms and dissections. Identifiers: Orphanet 91387, MedGen C4707243, MONDO:0019625.

Submission:

Ambry Genetics
Classification: Uncertain significance for Familial thoracic aortic aneurysm and aortic dissection. Last evaluated: 2024-10-27. Review status: criteria provided, single submitter. Criteria: Ambry Variant Classification Scheme 2023. Collection method: clinical testing. Allele origin: germline.
Comment: The p.V1424A variant (also known as c.4271T>C), located in coding exon 21 of the MYLK gene, results from a T to C substitution at nucleotide position 4271. The valine at codon 1424 is replaced by alanine, an amino acid with similar properties. This amino acid position is conserved. In addition, this alteration is predicted to be tolerated by in silico analysis. Based on the available evidence, the clinical significance of this variant remains unclear.